The following is an entry in ClinVar:

ClinVar aggregate classification (germline): Pathogenic (1 of 4 stars; one submission).

Conditions:
Capillary malformation-arteriovenous malformation syndrome. Also called: Capillary malformation-arteriovenous malformation. Identifiers: Orphanet 137667, MedGen C1842180, MONDO:0012016.

Submission:

Labcorp Genetics (formerly Invitae), Labcorp
Classification: Pathogenic for Capillary malformation-arteriovenous malformation syndrome. Last evaluated: 2022-07-27. Review status: criteria provided, single submitter. Criteria: Invitae Variant Classification Sherloc (09022015). Collection method: clinical testing. Allele origin: germline.
Comment: This variant has not been reported in the literature in individuals affected with RASA1-related conditions. For these reasons, this variant has been classified as Pathogenic. This variant is not present in population databases (gnomAD no frequency). This sequence change creates a premature translational stop signal (p.Ser379Glnfs*32) in the RASA1 gene. It is expected to result in an absent or disrupted protein product. Loss-of-function variants in RASA1 are known to be pathogenic (PMID: 24038909).

Literature cited by the submitters: PubMed 24038909.

NM_002890.3(RASA1):c.1134del (p.Ser379fs)

Genes: CCNH (cyclin H; minus strand), RASA1 (RAS p21 protein activator 1; plus strand). Cytogenetic location: 5q14.3.
Variant type: Deletion.
Coding change: c.1134del on transcript NM_002890.3 (MANE Select); coding-DNA position 1134, one base deleted (C; older notation c.1134delC).
Protein change: p.Ser379fs; shifts the reading frame from serine 379.
Molecular consequence: frameshift variant. On other transcripts: intron variant (1).
Genome position (GRCh38, 1-based): chr5:87,349,245, C deleted; the last of 3 consecutive C bases (chr5:87,349,243-87,349,245); deleting any one gives the same sequence. VCF-style (leftmost placement, unchanged base first): chr5-87349242-GC-G. GRCh37 (hg19) VCF-style: chr5-86645059-GC-G.
Other names: c.603del, p.Ser202fs (NM_022650.3); c.934-36448del (NM_001364075.2); short protein forms S379fs, S202fs.
Identifiers: ClinVar variation 2010036 (VCV002010036.4), dbSNP rs2531255948, ClinGen allele CA2580073674.